The following is an entry in ClinVar:

NM_001792.5(CDH2):c.2476G>C (p.Ala826Pro)

Genes: CDH2 (cadherin 2; minus strand), CDH2-AS1 (CDH2 antisense RNA 1; plus strand). Cytogenetic location: 18q12.1.
Variant type: single nucleotide variant.
Coding change: c.2476G>C on transcript NM_001792.5 (MANE Select); coding-DNA position 2476, G replaced by C.
Protein change: p.Ala826Pro; replaces alanine 826 with proline.
Molecular consequence: missense variant.
Genome position (GRCh38, 1-based): chr18:27,963,395, C>G on the plus strand (G>C on the coding strand, the complement: CDH2 is on the minus strand). VCF-style: chr18-27963395-C-G. GRCh37 (hg19) VCF-style: chr18-25543359-C-G.
Other names: c.2383G>C, p.Ala795Pro (NM_001308176.2); short protein forms A795P, A826P.
Identifiers: ClinVar variation 1683877 (VCV001683877.2), dbSNP rs2143887962, ClinGen allele CA402103871.

ClinVar aggregate classification (germline): Uncertain significance (1 of 4 stars; one submission).

Submission:

GeneDx
Classification: Uncertain significance. Last evaluated: 2021-10-29. Review status: criteria provided, single submitter. Criteria: GeneDx Variant Classification Process June 2021. Collection method: clinical testing. Allele origin: germline. Affected: yes.
Comment: Not observed at significant frequency in large population cohorts (gnomAD); In silico analysis supports that this missense variant does not alter protein structure/function; Has not been previously published as pathogenic or benign to our knowledge